The following is an entry in ClinVar:

NM_000051.4(ATM):c.6757A>C (p.Lys2253Gln)

Genes: ATM (ATM serine/threonine kinase; plus strand), C11orf65 (chromosome 11 open reading frame 65; minus strand). Cytogenetic location: 11q22.3.
Variant type: single nucleotide variant.
Coding change: c.6757A>C on transcript NM_000051.4 (MANE Select); coding-DNA position 6757, A replaced by C.
Protein change: p.Lys2253Gln; replaces lysine 2253 with glutamine.
Molecular consequence: missense variant. On other transcripts: intron variant (2).
Genome position (GRCh38, 1-based): chr11:108,325,494, A>C. VCF-style: chr11-108325494-A-C. GRCh37 (hg19) VCF-style: chr11-108196221-A-C.
Other names: c.6757A>C, p.Lys2253Gln (NM_001351834.2); c.641-16423T>G (NM_001330368.2); c.*38+9726T>G (NM_001351110.2); short protein forms K2253Q.
Identifiers: ClinVar variation 216227 (VCV000216227.14), dbSNP rs863224578, ClinGen allele CA338160.

ClinVar aggregate classification (germline): Uncertain significance. Review status: criteria provided, multiple submitters, no conflicts (2 of 4 stars). 2 submissions from 2 submitters: Uncertain significance (2). Last evaluated 2024-09-05.

Conditions:
Hereditary cancer-predisposing syndrome. Also called: Neoplastic Syndromes, Hereditary; Hereditary neoplastic syndrome; Tumor predisposition; Hereditary Cancer Syndrome. Identifiers: Orphanet 140162, MedGen C0027672, MeSH D009386, MONDO:0015356.
Ataxia-telangiectasia syndrome (AT). Also called: Ataxia telangiectasia (A-T); Cerebello-oculocutaneous telangiectasia; Immunodeficiency with ataxia telangiectasia; LOUIS-BAR SYNDROME; AT, COMPLEMENTATION GROUP C; ATAXIA-TELANGIECTASIA, FRESNO VARIANT. Identifiers: Orphanet 100, MedGen C0004135, MONDO:0008840, OMIM 208900.

Submissions (2):

Ambry Genetics
Classification: Uncertain significance for Hereditary cancer-predisposing syndrome. Last evaluated: 2024-09-05. Review status: criteria provided, single submitter. Criteria: Ambry Variant Classification Scheme 2023. Collection method: clinical testing. Allele origin: germline.
Comment: The p.K2253Q variant (also known as c.6757A>C), located in coding exon 45 of the ATM gene, results from an A to C substitution at nucleotide position 6757. The lysine at codon 2253 is replaced by glutamine, an amino acid with similar properties. This amino acid position is not well conserved in available vertebrate species. In addition, this alteration is predicted to be tolerated by in silico analysis. Based on the available evidence, the clinical significance of this variant remains unclear.

Labcorp Genetics (formerly Invitae), Labcorp
Classification: Uncertain significance for Ataxia-telangiectasia syndrome. Last evaluated: 2016-11-24. Review status: criteria provided, single submitter. Criteria: Invitae Variant Classification Sherloc (09022015). Collection method: clinical testing. Allele origin: germline.
Comment: This sequence change replaces lysine with glutamine at codon 2253 of the ATM protein (p.Lys2253Gln). The lysine residue is moderately conserved and there is a small physicochemical difference between lysine and glutamine. This variant is not present in population databases (ExAC no frequency) and has not been reported in the literature in individuals with an ATM-related disease. Algorithms developed to predict the effect of missense changes on protein structure and function (SIFT, PolyPhen-2, Align-GVGD) all suggest that this variant is likely to be tolerated, but these predictions have not been confirmed by published functional studies. In summary, this variant is a novel missense change that is not predicted to affect protein function. There is no indication that it causes disease, but the available evidence is currently insufficient to prove that conclusively. Therefore, it has been classified as a Variant of Uncertain Significance.